The following is an entry in ClinVar:

NM_001244008.2(KIF1A):c.791G>T (p.Arg264Leu)

Gene: KIF1A (kinesin family member 1A; minus strand). Cytogenetic location: 2q37.3.
Variant type: single nucleotide variant.
Coding change: c.791G>T on transcript NM_001244008.2 (MANE Select); coding-DNA position 791, G replaced by T.
Protein change: p.Arg264Leu; replaces arginine 264 with leucine.
Molecular consequence: missense variant.
Genome position (GRCh38, 1-based): chr2:240,783,746, C>A on the plus strand (G>T on the coding strand, the complement: KIF1A is on the minus strand). VCF-style: chr2-240783746-C-A. GRCh37 (hg19) VCF-style: chr2-241723163-C-A.
Other names: c.791G>T, p.Arg264Leu (NM_001320705.2, NM_001330289.2, NM_001330290.2 and 20 more transcripts); short protein forms R264L.
Identifiers: ClinVar variation 1051371 (VCV001051371.10), dbSNP rs1413440372, ClinGen allele CA351302880.

ClinVar aggregate classification (germline): Uncertain significance (1 of 4 stars; one submission).

Conditions:
Neuropathy, hereditary sensory, type 2C. Also called: Hereditary sensory and autonomic neuropathy type IIC; KIF1A-Related HSAN2 (HSAN2C). Identifiers: Orphanet 970, MedGen C3280168, MONDO:0013634, OMIM 614213.
Intellectual disability, autosomal dominant 9 (NESCAVS). Also called: KIF1A-Related Neurodevelopmental Disorder; NESCAV SYNDROME. Identifiers: Orphanet 662367, MedGen C5393830, MONDO:0013656, OMIM 614255.
Hereditary spastic paraplegia 30. Identifiers: Orphanet 101010, MedGen C5235139, MONDO:0012476.

Allele frequency attached by ClinVar (database versions not stated): gnomAD 0.00001; TOPMed 0.00001.

Submission:

Labcorp Genetics (formerly Invitae), Labcorp
Classification: Uncertain significance for Hereditary spastic paraplegia 30; Neuropathy, hereditary sensory, type 2C; Intellectual disability, autosomal dominant 9. Last evaluated: 2025-08-28. Review status: criteria provided, single submitter. Criteria: Invitae Variant Classification Sherloc (09022015). Collection method: clinical testing. Allele origin: germline.
Comment: This sequence change replaces arginine, which is basic and polar, with leucine, which is neutral and non-polar, at codon 264 of the KIF1A protein (p.Arg264Leu). This variant is not present in population databases (gnomAD no frequency). This variant has not been reported in the literature in individuals affected with KIF1A-related conditions. ClinVar contains an entry for this variant (Variation ID: 1051371). Invitae Evidence Modeling of protein sequence and biophysical properties (such as structural, functional, and spatial information, amino acid conservation, physicochemical variation, residue mobility, and thermodynamic stability) indicates that this missense variant is expected to disrupt KIF1A protein function with a positive predictive value of 95%. In summary, the available evidence is currently insufficient to determine the role of this variant in disease. Therefore, it has been classified as a Variant of Uncertain Significance.